The following is an entry in ClinVar:

ClinVar aggregate classification (germline): Uncertain significance. Review status: criteria provided, multiple submitters, no conflicts (2 of 4 stars). 2 submissions from 2 submitters: Uncertain significance (2). Last evaluated 2025-07-15.

Conditions:
Inborn genetic diseases. Identifiers: MedGen C0950123, MeSH D030342.

Allele frequency attached by ClinVar (database versions not stated): gnomAD 0.00001; TOPMed 0.00002; gnomAD exomes 0.00004; ExAC 0.00007.
gnomAD v4.1: 50 of 1,566,894 alleles (0.0032%); highest among the groups gnomAD compares: East Asian, 0.083%; no homozygotes.

Submissions (2):

Labcorp Genetics (formerly Invitae), Labcorp
Classification: Uncertain significance. Last evaluated: 2025-07-15. Review status: criteria provided, single submitter. Criteria: Invitae Variant Classification Sherloc (09022015). Collection method: clinical testing. Allele origin: germline.
Comment: This sequence change replaces aspartic acid, which is acidic and polar, with asparagine, which is neutral and polar, at codon 96 of the SLC9A3R1 protein (p.Asp96Asn). This variant is present in population databases (rs764023307, gnomAD 0.02%). This variant has not been reported in the literature in individuals affected with SLC9A3R1-related conditions. ClinVar contains an entry for this variant (Variation ID: 2464414). An algorithm developed to predict the effect of missense changes on protein structure and function (PolyPhen-2) suggests that this variant is likely to be disruptive. In summary, the available evidence is currently insufficient to determine the role of this variant in disease. Therefore, it has been classified as a Variant of Uncertain Significance.

Ambry Genetics
Classification: Uncertain significance for Inborn genetic diseases. Last evaluated: 2023-03-01. Review status: criteria provided, single submitter. Criteria: Ambry Variant Classification Scheme 2023. Collection method: clinical testing. Allele origin: germline.

NM_004252.5(NHERF1):c.286G>A (p.Asp96Asn)

Genes: NHERF1 (NHERF family PDZ scaffold protein 1; plus strand), SLC9A3R1-AS1 (SLC9A3R1 antisense RNA 1; minus strand). Cytogenetic location: 17q25.1.
Variant type: single nucleotide variant.
Coding change: c.286G>A on transcript NM_004252.5 (MANE Select); coding-DNA position 286, G replaced by A.
Protein change: p.Asp96Asn; replaces aspartic acid 96 with asparagine.
Molecular consequence: missense variant.
Genome position (GRCh38, 1-based): chr17:74,749,132, G>A. VCF-style: chr17-74749132-G-A. GRCh37 (hg19) VCF-style: chr17-72745271-G-A.
Other names: short protein forms D96N.
Identifiers: ClinVar variation 2464414 (VCV002464414.3), dbSNP rs764023307, ClinGen allele CA8750572.